The following is an entry in ClinVar:

NM_001367624.2(ZNF469):c.7885G>A (p.Gly2629Arg)

Gene: ZNF469 (zinc finger protein 469; plus strand). Cytogenetic location: 16q24.2.
Variant type: single nucleotide variant.
Coding change: c.7885G>A on transcript NM_001367624.2 (MANE Select); coding-DNA position 7885, G replaced by A.
Protein change: p.Gly2629Arg; replaces glycine 2629 with arginine.
Molecular consequence: missense variant.
Genome position (GRCh38, 1-based): chr16:88,435,355, G>A. VCF-style: chr16-88435355-G-A. GRCh37 (hg19) VCF-style: chr16-88501763-G-A.
Other names: NM_001127464.1:c.7801G>A; short protein forms G2629R.
Identifiers: ClinVar variation 2449514 (VCV002449514.2), dbSNP rs2507597872, ClinGen allele CA397115255.

ClinVar aggregate classification (germline): Uncertain significance (1 of 4 stars; one submission).

Conditions:
Cardiovascular phenotype. Identifiers: MedGen CN230736.

Allele frequency attached by ClinVar (database versions not stated): gnomAD exomes below 0.00001.
gnomAD v4.1: 1 of 1,550,384 alleles (0.000065%); highest among the groups gnomAD compares: Non-Finnish European, 0.000087%; no homozygotes.

Submission:

Ambry Genetics
Classification: Uncertain significance for Cardiovascular phenotype. Last evaluated: 2023-02-16. Review status: criteria provided, single submitter. Criteria: Ambry Variant Classification Scheme 2023. Collection method: clinical testing. Allele origin: germline.
Comment: The p.G2601R variant (also known as c.7801G>A), located in coding exon 2 of the ZNF469 gene, results from a G to A substitution at nucleotide position 7801. The glycine at codon 2601 is replaced by arginine, an amino acid with dissimilar properties. This amino acid position is conserved. In addition, this alteration is predicted to be tolerated by in silico analysis. Since supporting evidence is limited at this time, the clinical significance of this alteration remains unclear.